The following is an entry in ClinVar:

NM_000492.4(CFTR):c.520_530del (p.Lys174fs)

Gene: CFTR (CF transmembrane conductance regulator; plus strand). Cytogenetic location: 7q31.2.
Variant type: Deletion.
Coding change: c.520_530del on transcript NM_000492.4 (MANE Select); coding-DNA positions 520 to 530, 11 bases deleted (AAAATAAGTAT).
Protein change: p.Lys174fs; shifts the reading frame from lysine 174.
Molecular consequence: frameshift variant.
Genome position (GRCh38, 1-based): chr7:117,534,306-117,534,316, AAAATAAGTAT deleted; deleting any 11 consecutive bases within chr7:117,534,304-117,534,316 gives the same sequence; the c. name uses the placement nearest the transcript's 3' end. VCF-style (leftmost placement, unchanged base first): chr7-117534303-GATAAAATAAGT-G. GRCh37 (hg19) VCF-style: chr7-117174357-GATAAAATAAGT-G.
Other names: short protein forms K174fs.
Identifiers: ClinVar variation 1725568 (VCV001725568.2), dbSNP rs2485014422, ClinGen allele CA2580076336.
Genomic context (GRCh38, chr7:117,534,303, plus strand): 5'-TTGAAATTATCTAACTTTCCATTTTTCTTTTAGACTTTAAAGCTGTCAAGCCGTGTTCTA[GATAAAATAAGT>G]ATTGGACAACTTGTTAGTCTCCTTTCCAACAACCTGAACAAATTTGATGAAGTATGTACC-3'

ClinVar aggregate classification (germline): Likely pathogenic (1 of 4 stars; one submission).

Conditions:
Cystic fibrosis (CF). Also called: MUCOVISCIDOSIS. Identifiers: Orphanet 586, MedGen C0010674, MONDO:0009061, OMIM 219700. Disease mechanism: loss of function.

Submission:

Myriad Genetics, Inc.
Classification: Likely pathogenic for Cystic fibrosis. Last evaluated: 2021-12-03. Review status: criteria provided, single submitter. Criteria: Myriad Women's Health Autosomal Recessive and X-Linked Classification Criteria (2021). Collection method: clinical testing. Allele origin: unknown.
Comment: NM_000492.3(CFTR):c.520_530del11(K174Wfs*5) is expected to be pathogenic in the context of cystic fibrosis. This variant is predicted to lead to an abnormal or absent protein product due to the creation of a premature termination codon in CFTR, a gene where loss-of-function variants are known to be pathogenic. Please note: this variant was assessed in the context of healthy population screening.